The following is an entry in ClinVar:

ClinVar aggregate classification (germline): Uncertain significance (1 of 4 stars; one submission).

Conditions:
Malignant hyperthermia, susceptibility to, 5 (MHS5). Also called: CACNA1S-Related Malignant Hyperthermia Susceptibility. Identifiers: Orphanet 423, MedGen C1866077, MONDO:0011163, OMIM 601887.

Allele frequency attached by ClinVar (database versions not stated): gnomAD exomes below 0.00001.
gnomAD v4.1: 1 of 1,613,984 alleles (0.000062%); highest among the groups gnomAD compares: African/African-American, 0.0013%; no homozygotes.

Submission:

All of Us Research Program, National Institutes of Health
Classification: Uncertain significance for Malignant hyperthermia, susceptibility to, 5. Last evaluated: 2023-05-16. Review status: criteria provided, single submitter. Criteria: ACMG Guidelines, 2015. Collection method: clinical testing. Allele origin: germline. Inheritance: Autosomal dominant inheritance. Observed: 1 variant allele, 1 heterozygote.
Comment: This missense variant replaces leucine with phenylalanine at codon 532 of the CACNA1S protein. Computational prediction suggests that this variant may have deleterious impact on protein structure and function (internally defined REVEL score threshold >= 0.7, PMID: 27666373). To our knowledge, functional studies have not been reported for this variant. This variant has not been reported in individuals affected with CACNA1S-related disorders in the literature. This variant has not been identified in the general population by the Genome Aggregation Database (gnomAD). The available evidence is insufficient to determine the role of this variant in disease conclusively. Therefore, this variant is classified as a Variant of Uncertain Significance.

This study involves interpretation of variants in research participants for the purpose of population health screening. Participant phenotype was not available at the time of variant classification. Additional details can be found in publication PMID: 35346344, PMCID: PMC8962531

NM_000069.3(CACNA1S):c.1594C>T (p.Leu532Phe)

Gene: CACNA1S (calcium voltage-gated channel subunit alpha1 S; minus strand). Cytogenetic location: 1q32.1.
Variant type: single nucleotide variant.
Coding change: c.1594C>T on transcript NM_000069.3 (MANE Select); coding-DNA position 1594, C replaced by T.
Protein change: p.Leu532Phe; replaces leucine 532 with phenylalanine.
Molecular consequence: missense variant.
Genome position (GRCh38, 1-based): chr1:201,077,904, G>A on the plus strand (C>T on the coding strand, the complement: CACNA1S is on the minus strand). VCF-style: chr1-201077904-G-A. GRCh37 (hg19) VCF-style: chr1-201047032-G-A.
Other names: short protein forms L532F.
Identifiers: ClinVar variation 3071236 (VCV003071236.1), dbSNP rs2464570230, ClinGen allele CA344121177.